The following is an entry in ClinVar:

ClinVar aggregate classification (germline): Likely benign (1 of 4 stars; one submission).

Conditions:
Neurofibromatosis, type 2 (SWNV). Also called: NF2-Related Schwannomatosis; BILATERAL ACOUSTIC NEUROFIBROMATOSIS; SCHWANNOMATOSIS, VESTIBULAR. Identifiers: Orphanet 637, MedGen C0027832, MONDO:0007039, OMIM 101000. Disease mechanism: loss of function.

Submission:

All of Us Research Program, National Institutes of Health
Classification: Likely benign for Neurofibromatosis, type 2. Last evaluated: 2024-08-13. Review status: criteria provided, single submitter. Criteria: ACMG Guidelines, 2015. Collection method: clinical testing. Allele origin: germline. Inheritance: Autosomal dominant inheritance. Observed: 1 variant allele, 1 heterozygote.
Comment: This study involves interpretation of variants in research participants for the purpose of population health screening. Participant phenotype was not available at the time of variant classification. Additional details can be found in publication PMID: 35346344, PMCID: PMC8962531

NM_000268.4(NF2):c.9G>T (p.Gly3=)

Gene: NF2 (NF2, moesin-ezrin-radixin like (MERLIN) tumor suppressor; plus strand). Cytogenetic location: 22q12.2.
Variant type: single nucleotide variant.
Coding change: c.9G>T on transcript NM_000268.4 (MANE Select); coding-DNA position 9, G replaced by T.
Protein change: p.Gly3=; no amino-acid change (glycine 3 retained).
Molecular consequence: synonymous variant. On other transcripts: 5 prime UTR variant (4), non-coding transcript variant (1).
Genome position (GRCh38, 1-based): chr22:29,604,007, G>T. VCF-style: chr22-29604007-G-T. GRCh37 (hg19) VCF-style: chr22-29999996-G-T.
Other names: c.-222G>T (NM_001407053.1, NM_001407056.1); c.9G>T, p.Gly3= (NM_001407054.1, NM_001407055.1, NM_001407057.1 and 15 more transcripts); c.-632G>T (NM_001407065.1); c.-248G>T (NM_001407067.1).
Identifiers: ClinVar variation 3387393 (VCV003387393.1).